The following is an entry in ClinVar:

ClinVar aggregate classification (germline): Uncertain significance (1 of 4 stars; one submission).

Conditions:
Developmental and epileptic encephalopathy, 31A. Also called: Epileptic encephalopathy, early infantile, 31; Developmental and epileptic encephalopathy, 31. Identifiers: Orphanet 2382, MedGen C4225357, MONDO:0014598, OMIM 616346.

Allele frequency attached by ClinVar (database versions not stated): gnomAD exomes below 0.00001; TOPMed below 0.00001; gnomAD 0.00001.

Submission:

Labcorp Genetics (formerly Invitae), Labcorp
Classification: Uncertain significance for Developmental and epileptic encephalopathy, 31A. Last evaluated: 2023-01-23. Review status: criteria provided, single submitter. Criteria: Invitae Variant Classification Sherloc (09022015). Collection method: clinical testing. Allele origin: germline.
Comment: In summary, the available evidence is currently insufficient to determine the role of this variant in disease. Therefore, it has been classified as a Variant of Uncertain Significance. Algorithms developed to predict the effect of sequence changes on RNA splicing suggest that this variant may disrupt the consensus splice site. This variant has not been reported in the literature in individuals affected with DNM1-related conditions. This variant is not present in population databases (gnomAD no frequency). This sequence change falls in intron 7 of the DNM1 gene. It does not directly change the encoded amino acid sequence of the DNM1 protein.

NM_004408.4(DNM1):c.993-13_993-11del

Gene: DNM1 (dynamin 1; plus strand). Cytogenetic location: 9q34.11.
Variant type: Deletion.
Coding change: c.993-13_993-11del on transcript NM_004408.4 (MANE Select); 13 bases into the intron before coding-DNA position 993 through 11 bases into the intron before coding-DNA position 993, 3 bases deleted (ACT; older notation c.993-13_993-11delACT).
Molecular consequence: intron variant.
Genome position (GRCh38, 1-based): chr9:128,222,448-128,222,450, ACT deleted. VCF-style (leftmost placement, unchanged base first): chr9-128222447-CACT-C. GRCh37 (hg19) VCF-style: chr9-130984726-CACT-C.
Other names: c.993-13_993-11del (NM_001005336.3, NM_001374269.1, NM_001288738.2 and 2 more transcripts).
Identifiers: ClinVar variation 3000615 (VCV003000615.3), dbSNP rs1465998294, ClinGen allele CA860247965.